The following is an entry in ClinVar:

NM_003200.5(TCF3):c.55C>T (p.Leu19Phe)

Gene: TCF3 (transcription factor 3; minus strand). Cytogenetic location: 19p13.3.
Variant type: single nucleotide variant.
Coding change: c.55C>T on transcript NM_003200.5 (MANE Select); coding-DNA position 55, C replaced by T.
Protein change: p.Leu19Phe; replaces leucine 19 with phenylalanine.
Molecular consequence: missense variant.
Genome position (GRCh38, 1-based): chr19:1,650,194, G>A on the plus strand (C>T on the coding strand, the complement: TCF3 is on the minus strand). VCF-style: chr19-1650194-G-A. GRCh37 (hg19) VCF-style: chr19-1650193-G-A.
Other names: c.55C>T, p.Leu19Phe (NM_001136139.4, NM_001351778.2, NM_001351779.2); c.55C>T (NM_003200.3); short protein forms L19F.
Identifiers: ClinVar variation 1523806 (VCV001523806.9), dbSNP rs941873597, ClinGen allele CA304109889.

ClinVar aggregate classification (germline): Uncertain significance. Review status: criteria provided, multiple submitters, no conflicts (2 of 4 stars). 2 submissions from 2 submitters: Uncertain significance (2). Last evaluated 2025-09-26.

Conditions:
Inborn genetic diseases. Identifiers: MedGen C0950123, MeSH D030342.

Allele frequency attached by ClinVar (database versions not stated): gnomAD 0.00001; TOPMed 0.00002.
gnomAD v4.1: 28 of 1,572,232 alleles (0.0018%); highest among the groups gnomAD compares: Non-Finnish European, 0.0023%; no homozygotes.

Submissions (2):

Ambry Genetics
Classification: Uncertain significance for Inborn genetic diseases. Last evaluated: 2025-09-26. Review status: criteria provided, single submitter. Criteria: Ambry Variant Classification Scheme 2023. Collection method: clinical testing. Allele origin: germline.

Labcorp Genetics (formerly Invitae), Labcorp
Classification: Uncertain significance. Last evaluated: 2023-08-04. Review status: criteria provided, single submitter. Criteria: Invitae Variant Classification Sherloc (09022015). Collection method: clinical testing. Allele origin: germline.
Comment: This variant has not been reported in the literature in individuals affected with TCF3-related conditions. This sequence change replaces leucine, which is neutral and non-polar, with phenylalanine, which is neutral and non-polar, at codon 19 of the TCF3 protein (p.Leu19Phe). The frequency data for this variant in the population databases is considered unreliable, as metrics indicate poor data quality at this position in the gnomAD database. ClinVar contains an entry for this variant (Variation ID: 1523806). Advanced modeling of protein sequence and biophysical properties (such as structural, functional, and spatial information, amino acid conservation, physicochemical variation, residue mobility, and thermodynamic stability) performed at Invitae indicates that this missense variant is expected to disrupt TCF3 protein function. In summary, the available evidence is currently insufficient to determine the role of this variant in disease. Therefore, it has been classified as a Variant of Uncertain Significance.